The following is an entry in ClinVar:

ClinVar aggregate classification (germline): Uncertain significance (1 of 4 stars; one submission).

Submission:

GeneDx
Classification: Uncertain significance. Last evaluated: 2022-07-11. Review status: criteria provided, single submitter. Criteria: GeneDx Variant Classification Process June 2021. Collection method: clinical testing. Allele origin: germline. Affected: yes.
Comment: Has not been previously published as pathogenic or benign to our knowledge; In silico analysis supports that this missense variant has a deleterious effect on protein structure/function

NM_001372044.2(SHANK3):c.1153G>C (p.Asp385His)

Gene: SHANK3 (SH3 and multiple ankyrin repeat domains 3; plus strand).
Variant type: single nucleotide variant.
Coding change: c.1153G>C on transcript NM_001372044.2 (MANE Select); coding-DNA position 1153, G replaced by C.
Protein change: p.Asp385His; replaces aspartic acid 385 with histidine.
Molecular consequence: missense variant.
Other names: c.928G>C, p.Asp310His (NM_033517.1); short protein forms D310H, D385H.
Identifiers: ClinVar variation 1696942 (VCV001696942.2), dbSNP rs2124372223.